The following is an entry in ClinVar:

NM_002473.6(MYH9):c.4427C>A (p.Thr1476Asn)

Gene: MYH9 (myosin heavy chain 9; minus strand). Cytogenetic location: 22q12.3.
Variant type: single nucleotide variant.
Coding change: c.4427C>A on transcript NM_002473.6 (MANE Select); coding-DNA position 4427, C replaced by A.
Protein change: p.Thr1476Asn; replaces threonine 1476 with asparagine.
Molecular consequence: missense variant.
Genome position (GRCh38, 1-based): chr22:36,289,215, G>T on the plus strand (C>A on the coding strand, the complement: MYH9 is on the minus strand). VCF-style: chr22-36289215-G-T. GRCh37 (hg19) VCF-style: chr22-36685261-G-T.
Other names: short protein forms T1476N.
Identifiers: ClinVar variation 4746157 (VCV004746157.1).
Genomic context (GRCh38, chr22:36,289,215, plus strand): 5'-TCCAGCTCCGCCTTCTGCTCCATGGCTTCCTCCAGGGCCCGGGCCAGCGACAGAGCCTTG[G>T]TCTCCTTCTCTCGGGCCTCCGCCTCAGCCCGGTCGCGCTCCTCTGCATACTTGGCAGAGA-3'
Protein context (NP_002464.1, residues 1466-1486): RAEAEAREKE[Thr1476Asn]KALSLARALE

ClinVar aggregate classification (germline): Uncertain significance (1 of 4 stars; one submission).

Submission:

Labcorp Genetics (formerly Invitae), Labcorp
Classification: Uncertain significance. Last evaluated: 2025-06-24. Review status: criteria provided, single submitter. Criteria: Invitae Variant Classification Sherloc (09022015). Collection method: clinical testing. Allele origin: germline.
Comment: This sequence change replaces threonine, which is neutral and polar, with asparagine, which is neutral and polar, at codon 1476 of the MYH9 protein (p.Thr1476Asn). This variant is not present in population databases (gnomAD no frequency). This variant has not been reported in the literature in individuals affected with MYH9-related conditions. Invitae Evidence Modeling of protein sequence and biophysical properties (such as structural, functional, and spatial information, amino acid conservation, physicochemical variation, residue mobility, and thermodynamic stability) indicates that this missense variant is not expected to disrupt MYH9 protein function with a negative predictive value of 95%. In summary, the available evidence is currently insufficient to determine the role of this variant in disease. Therefore, it has been classified as a Variant of Uncertain Significance.